The following is an entry in ClinVar:

NM_002294.3(LAMP2):c.769A>G (p.Asn257Asp)

Gene: LAMP2 (lysosome associated membrane protein 2; minus strand). Cytogenetic location: Xq24.
Variant type: single nucleotide variant.
Coding change: c.769A>G on transcript NM_002294.3 (MANE Select); coding-DNA position 769, A replaced by G.
Protein change: p.Asn257Asp; replaces asparagine 257 with aspartic acid.
Molecular consequence: missense variant.
Genome position (GRCh38, 1-based): chrX:120,446,400, T>C on the plus strand (A>G on the coding strand, the complement: LAMP2 is on the minus strand). VCF-style: chrX-120446400-T-C. GRCh37 (hg19) VCF-style: chrX-119580255-T-C.
Other names: c.769A>G, p.Asn257Asp (NM_001122606.1, NM_013995.2); short protein forms N257D.
Identifiers: ClinVar variation 429409 (VCV000429409.11), dbSNP rs369032377, ClinGen allele CA335013402.
Genomic context (GRCh38, chrX:120,446,400, plus strand): 5'-TGCTATTGAGTCTAAGTAGAGCAGTGTGAGAACGGCAGCTGCCTGTGGAGTGAGTTGTAT[T>C]GGGGTTGATGTTAATAACTGAAGCAACCTTCAGGAGAAGAAGAAAGGGAAAAGGTACAGG-3'
Protein context (NP_002285.1, residues 247-267): KVASVININP[Asn257Asp]TTHSTGSCRS

ClinVar aggregate classification (germline): Conflicting classifications of pathogenicity. Review status: criteria provided, conflicting classifications (1 of 4 stars). 4 submissions from 4 submitters: Uncertain significance (3); Likely benign (1). Last evaluated 2025-11-21.

Conditions:
Cardiovascular phenotype. Identifiers: MedGen CN230736.
Danon disease. Also called: ANTOPOL DISEASE; Glycogen Storage Disease Type IIb; PSEUDOGLYCOGENOSIS II; GSD IIb; LYSOSOMAL GLYCOGEN STORAGE DISEASE WITHOUT ACID MALTASE DEFICIENCY. Identifiers: Orphanet 34587, MedGen C0878677, MONDO:0010281, OMIM 300257.

Allele frequency attached by ClinVar (database versions not stated): gnomAD exomes below 0.00001; TOPMed 0.00005; gnomAD 0.00007 and 0.00009; ESP Exome Variant Server 0.00009.

Submissions (4):

Labcorp Genetics (formerly Invitae), Labcorp
Classification: Uncertain significance for Danon disease. Last evaluated: 2025-11-21. Review status: criteria provided, single submitter. Criteria: Invitae Variant Classification Sherloc (09022015). Collection method: clinical testing. Allele origin: germline.
Comment: This sequence change replaces asparagine, which is neutral and polar, with aspartic acid, which is acidic and polar, at codon 257 of the LAMP2 protein (p.Asn257Asp). This variant is not present in population databases (gnomAD no frequency). This variant has not been reported in the literature in individuals affected with LAMP2-related conditions. ClinVar contains an entry for this variant (Variation ID: 429409). Invitae Evidence Modeling of protein sequence and biophysical properties (such as structural, functional, and spatial information, amino acid conservation, physicochemical variation, residue mobility, and thermodynamic stability) has been performed for this missense variant. However, the output from this modeling did not meet the statistical confidence thresholds required to predict the impact of this variant on LAMP2 protein function. In summary, the available evidence is currently insufficient to determine the role of this variant in disease. Therefore, it has been classified as a Variant of Uncertain Significance.

Ambry Genetics
Classification: Likely benign for Cardiovascular phenotype. Last evaluated: 2024-03-21. Review status: criteria provided, single submitter. Criteria: Ambry Variant Classification Scheme 2023. Collection method: clinical testing. Allele origin: germline.

Fulgent Genetics
Classification: Uncertain significance for Danon disease. Last evaluated: 2021-11-18. Review status: criteria provided, single submitter. Criteria: ACMG Guidelines, 2015. Collection method: clinical testing. Allele origin: unknown.

GeneDx
Classification: Uncertain significance. Last evaluated: 2017-05-02. Review status: criteria provided, single submitter. Criteria: GeneDx Variant Classification (06012015). Collection method: clinical testing. Allele origin: germline. Affected: yes.
Comment: The N257D variant has not been published as a pathogenic variant, nor has it been reported as a benign variant to our knowledge. The N257D variant is not observed in large population cohorts (Lek et al., 2016; 1000 Genomes Consortium et al., 2015; Exome Variant Server). This variant is a semi-conservative amino acid substitution, which may impact secondary protein structure as these residues differ in some properties. However, this substitution occurs at a position that is not conserved, and missense variants in nearby residues have not been reported in the Human Gene Mutation Database in association with LAMP2-related disorders (Stenson et al., 2014). In silico analysis is inconsistent in its predictions as to whether or not the variant is damaging to the protein structure/function.